The following is an entry in ClinVar:

NM_000257.4(MYH7):c.848A>T (p.Tyr283Phe)

Gene: MYH7 (myosin heavy chain 7; minus strand). Cytogenetic location: 14q11.2.
Variant type: single nucleotide variant.
Coding change: c.848A>T on transcript NM_000257.4 (MANE Select); coding-DNA position 848, A replaced by T.
Protein change: p.Tyr283Phe; replaces tyrosine 283 with phenylalanine.
Molecular consequence: missense variant.
Genome position (GRCh38, 1-based): chr14:23,430,948, T>A on the plus strand (A>T on the coding strand, the complement: MYH7 is on the minus strand). VCF-style: chr14-23430948-T-A. GRCh37 (hg19) VCF-style: chr14-23900157-T-A.
Other names: c.848A>T, p.Tyr283Phe (NM_001407004.1); short protein forms Y283F.
Identifiers: ClinVar variation 4801960 (VCV004801960.1).

ClinVar aggregate classification (germline): Uncertain significance (1 of 4 stars; one submission).

Conditions:
Hypertrophic cardiomyopathy. Also called: HYPERTROPHIC MYOCARDIOPATHY. Identifiers: Orphanet 217569, MedGen C0007194, MeSH D002312, MONDO:0005045, HP:0001639.

Submission:

Labcorp Genetics (formerly Invitae), Labcorp
Classification: Uncertain significance for Hypertrophic cardiomyopathy. Last evaluated: 2025-12-03. Review status: criteria provided, single submitter. Criteria: Invitae Variant Classification Sherloc (09022015). Collection method: clinical testing. Allele origin: germline.
Comment: This sequence change replaces tyrosine, which is neutral and polar, with phenylalanine, which is neutral and non-polar, at codon 283 of the MYH7 protein (p.Tyr283Phe). This variant is not present in population databases (gnomAD no frequency). This variant has not been reported in the literature in individuals affected with MYH7-related conditions. Invitae Evidence Modeling of protein sequence and biophysical properties (such as structural, functional, and spatial information, amino acid conservation, physicochemical variation, residue mobility, and thermodynamic stability) indicates that this missense variant is expected to disrupt MYH7 protein function with a positive predictive value of 95%. In summary, the available evidence is currently insufficient to determine the role of this variant in disease. Therefore, it has been classified as a Variant of Uncertain Significance.